The following is an entry in ClinVar:

NM_000094.4(COL7A1):c.7344+1G>T

Gene: COL7A1 (collagen type VII alpha 1 chain; minus strand). Cytogenetic location: 3p21.31.
Variant type: single nucleotide variant.
Coding change: c.7344+1G>T on transcript NM_000094.4 (MANE Select); the canonical splice donor site of the intron after coding-DNA position 7344, G replaced by T.
Molecular consequence: splice donor variant.
Genome position (GRCh38, 1-based): chr3:48,570,638, C>A on the plus strand (G>T on the coding strand, the complement: COL7A1 is on the minus strand). VCF-style: chr3-48570638-C-A. GRCh37 (hg19) VCF-style: chr3-48608071-C-A.
Identifiers: ClinVar variation 949868 (VCV000949868.12), dbSNP rs754469339, ClinGen allele CA2378562.

ClinVar aggregate classification (germline): Pathogenic/Likely pathogenic. Review status: criteria provided, multiple submitters, no conflicts (2 of 4 stars). 4 submissions from 4 submitters: Pathogenic (1); Likely pathogenic (3). Last evaluated 2025-09-24.

Conditions:
Epidermolysis bullosa dystrophica. Also called: Dystrophic epidermolysis bullosa, Hallopeau-Siemens type (formerly); Dystrophic epidermolysis bullosa. Identifiers: Orphanet 303, MedGen C0079294, MONDO:0006543.
Transient bullous dermolysis of the newborn (TBDN). Also called: EPIDERMOLYSIS BULLOSA DYSTROPHICA, NEONATAL FORM; DYSTROPHIC EPIDERMOLYSIS BULLOSA, NEONATAL. Identifiers: Orphanet 79411, MedGen C1851573, MONDO:0007548, OMIM 131705.
Generalized dominant dystrophic epidermolysis bullosa (DDEB). Also called: DDEB, generalized; DDEB-gen; DYSTROPHIC EPIDERMOLYSIS BULLOSA, AUTOSOMAL DOMINANT; Epidermolysis bullosa dystrophica, autosomal dominant; Dominant DEB (DDEB). Identifiers: Orphanet 231568, MedGen C0432322, MONDO:0007549, OMIM 131750.
Epidermolysis bullosa pruriginosa. Also called: DEB, PRURIGINOSA; DYSTROPHIC EPIDERMOLYSIS BULLOSA PRURIGINOSA. Identifiers: Orphanet 89843, MedGen C1275114, MONDO:0011398, OMIM 604129.
Recessive dystrophic epidermolysis bullosa (RDEB). Also called: DYSTROPHIC EPIDERMOLYSIS BULLOSA, AUTOSOMAL RECESSIVE; EPIDERMOLYSIS BULLOSA DYSTROPHICA, HALLOPEAU-SIEMENS TYPE; severe generalized recessive dystrophic epidermolysis bullosa; Epidermolysis Bullosa Distrophica Autosomal Recessive (RDEB); EPIDERMOLYSIS BULLOSA DYSTROPHICA, GENERALIZED SEVERE, AUTOSOMAL RECESSIVE; epidermolysis bullosa dystrophica, autosomal recessive. Identifiers: Orphanet 79408, Orphanet 79409, MedGen C0079474, MONDO:0009179, OMIM 226600.
Pretibial dystrophic epidermolysis bullosa. Also called: EPIDERMOLYSIS BULLOSA DYSTROPHICA, PRETIBIAL; Pretibial epidermolysis bullosa; Pretibial blistering. Identifiers: Orphanet 79410, MedGen C0432321, MONDO:0007552, OMIM 131850, HP:0012221.
Dominant dystrophic epidermolysis bullosa with absence of skin. Also called: EPIDERMOLYSIS BULLOSA WITH CONGENITAL LOCALIZED ABSENCE OF SKIN AND DEFORMITY OF NAILS; EPIDERMOLYSIS BULLOSA DYSTROPHICA, BART TYPE. Identifiers: MedGen C0268371, MONDO:0007557, OMIM 132000.
Nonsyndromic congenital nail disorder 8. Also called: TOENAIL DYSTROPHY, ISOLATED. Identifiers: MedGen C1843761, MONDO:0011852, OMIM 607523.

Allele frequency attached by ClinVar (database versions not stated): gnomAD 0.00003; ExAC 0.00001; TOPMed 0.00001.
gnomAD v4.1: 7 of 1,604,356 alleles (0.00044%); highest among the groups gnomAD compares: Non-Finnish European, 0.0006%; no homozygotes.

Submissions (4):

Natera, Inc.
Classification: Likely pathogenic for Dystrophic epidermolysis bullosa. Last evaluated: 2025-09-24. Review status: criteria provided, single submitter. Criteria: Natera Variant Classification Schema (03/2026). Collection method: clinical testing. Allele origin: germline.
Comment: The c.7344+1G>T variant in COL7A1 is a canonical splice donor site variant predicted to affect pre-mRNA splicing, which may result in an abnormal transcript and altered protein product. This variant is expected to result in nonsense mediated decay, truncation, or a dysfunctional protein product. This variant is rare in the general population with a frequency below the threshold expected for the associated phenotype(s). Given the available evidence, this variant is classified as Likely Pathogenic.

Fulgent Genetics
Classification: Likely pathogenic for Transient bullous dermolysis of the newborn; Generalized dominant dystrophic epidermolysis bullosa; Pretibial dystrophic epidermolysis bullosa; Dominant dystrophic epidermolysis bullosa with absence of skin; Recessive dystrophic epidermolysis bullosa; Epidermolysis bullosa pruriginosa; Nonsyndromic congenital nail disorder 8. Last evaluated: 2024-05-14. Review status: criteria provided, single submitter. Criteria: ACMG Guidelines, 2015. Collection method: clinical testing. Allele origin: germline.

Labcorp Genetics (formerly Invitae), Labcorp
Classification: Likely pathogenic. Last evaluated: 2023-04-12. Review status: criteria provided, single submitter. Criteria: Invitae Variant Classification Sherloc (09022015). Collection method: clinical testing. Allele origin: germline.
Comment: This sequence change affects a donor splice site in intron 95 of the COL7A1 gene. It is expected to disrupt RNA splicing. Variants that disrupt the donor or acceptor splice site typically lead to a loss of protein function (PMID: 16199547), and loss-of-function variants in COL7A1 are known to be pathogenic (PMID: 16971478). The frequency data for this variant in the population databases is considered unreliable, as metrics indicate poor data quality at this position in the gnomAD database. This variant has not been reported in the literature in individuals affected with COL7A1-related conditions. ClinVar contains an entry for this variant (Variation ID: 949868). Algorithms developed to predict the effect of sequence changes on RNA splicing suggest that this variant may disrupt the consensus splice site. In summary, the currently available evidence indicates that the variant is pathogenic, but additional data are needed to prove that conclusively. Therefore, this variant has been classified as Likely Pathogenic.

GeneDx
Classification: Pathogenic. Last evaluated: 2019-06-05. Review status: criteria provided, single submitter. Criteria: GeneDx Variant Classification Process June 2021. Collection method: clinical testing. Allele origin: germline. Affected: yes.
Comment: Canonical splice site variant predicted to result in an in-frame deletion within the the structurally important triple helical region; Located in a region intolerant to change; the lost residues include a part of the triple helical region; Has not been previously published as pathogenic or benign to our knowledge

Literature cited by the submitters: PubMed 16199547 (cited by Labcorp Genetics (formerly Invitae), Labcorp); PubMed 16971478 (cited by Labcorp Genetics (formerly Invitae), Labcorp).